The following is an entry in ClinVar:

ClinVar aggregate classification (germline): Uncertain significance (1 of 4 stars; one submission).

Conditions:
Renal cell carcinoma. Identifiers: Orphanet 217071, MedGen C0007134, MeSH D002292, MONDO:0005086, HP:0005584.

gnomAD v4.1: 1 of 1,613,974 alleles (0.000062%); no homozygotes.

Submission:

Labcorp Genetics (formerly Invitae), Labcorp
Classification: Uncertain significance for Renal cell carcinoma. Last evaluated: 2023-06-14. Review status: criteria provided, single submitter. Criteria: Invitae Variant Classification Sherloc (09022015). Collection method: clinical testing. Allele origin: germline.
Comment: In summary, the available evidence is currently insufficient to determine the role of this variant in disease. Therefore, it has been classified as a Variant of Uncertain Significance. Advanced modeling of protein sequence and biophysical properties (such as structural, functional, and spatial information, amino acid conservation, physicochemical variation, residue mobility, and thermodynamic stability) performed at Invitae indicates that this missense variant is expected to disrupt MET protein function. This variant has not been reported in the literature in individuals affected with MET-related conditions. This variant is not present in population databases (gnomAD no frequency). This sequence change replaces asparagine, which is neutral and polar, with lysine, which is basic and polar, at codon 1376 of the MET protein (p.Asn1376Lys).

NM_000245.4(MET):c.4074C>A (p.Asn1358Lys)

Gene: MET (MET proto-oncogene, receptor tyrosine kinase; plus strand). Cytogenetic location: 7q31.2.
Variant type: single nucleotide variant.
Coding change: c.4074C>A on transcript NM_000245.4 (MANE Select); coding-DNA position 4074, C replaced by A.
Protein change: p.Asn1358Lys; replaces asparagine 1358 with lysine.
Molecular consequence: missense variant.
Genome position (GRCh38, 1-based): chr7:116,796,025, C>A. VCF-style: chr7-116796025-C-A. GRCh37 (hg19) VCF-style: chr7-116436079-C-A.
Other names: c.4128C>A, p.Asn1376Lys (NM_001127500.3); c.2784C>A, p.Asn928Lys (NM_001324402.2); short protein forms N928K, N1358K, N1376K.
Identifiers: ClinVar variation 2712894 (VCV002712894.3), dbSNP rs772860611, ClinGen allele CA369118342.